The following is an entry in ClinVar:

NC_000013.10:g.(?_23898497)_(23898690_?)del

Gene: SGCG (sarcoglycan gamma; plus strand). Cytogenetic location: 13q12.12.
Variant type: Deletion.
Identifiers: ClinVar variation 1070855 (VCV001070855.1).

ClinVar aggregate classification (germline): Pathogenic (1 of 4 stars; one submission).

Conditions:
Autosomal recessive limb-girdle muscular dystrophy type 2C (LGMDR5). Also called: MUSCULAR DYSTROPHY, DUCHENNE-LIKE; MUSCULAR DYSTROPHY, LIMB-GIRDLE, AUTOSOMAL RECESSIVE 5. Identifiers: Orphanet 353, MedGen C0410173, MONDO:0009677, OMIM 253700. Disease mechanism: Affects gamma-sarcoglycan and also disrupts the integrity of the entire sarcoglycan complex..

Submission:

Labcorp Genetics (formerly Invitae), Labcorp
Classification: Pathogenic for Autosomal recessive limb-girdle muscular dystrophy type 2C. Last evaluated: 2020-09-10. Review status: criteria provided, single submitter. Criteria: Invitae Variant Classification Sherloc (09022015). Collection method: clinical testing. Allele origin: germline.
Comment: This variant is a gross deletion of the genomic region encompassing exon 8 of the SGCG gene. The 5' boundary is likely confined to intron 7. The 3' end of this event is unknown as it extends through the termination codon beyond the assayed region for this gene and may encompass additional genes. While this deletion is not anticipated to result in nonsense mediated decay, it is expected to create a truncated protein product or disrupt mRNA translation. This variant has been observed in individual(s) with SGCG-related conditions (PMID: 18285821). This variant disrupts the C-terminus of the SGCG protein. Other variant(s) that disrupt this region (p.Thr251Serfs*29) have been determined to be pathogenic (Invitae). This suggests that variants that disrupt this region of the protein are likely to be causative of disease. For these reasons, this variant has been classified as Pathogenic.

Literature cited by the submitters: PubMed 18285821.